The following is an entry in ClinVar:

ClinVar aggregate classification (germline): Likely benign. Review status: criteria provided, single submitter (1 of 4 stars). 2 submissions from 2 submitters: Likely benign (1). 1 of the submissions does not count toward it. Last evaluated 2024-11-27.

Conditions:
SVIL-related disorder. Also called: SVIL-related condition.

Allele frequency attached by ClinVar (database versions not stated): TOPMed 0.00020; gnomAD 0.00028; ESP Exome Variant Server 0.00038; gnomAD exomes 0.00040; ExAC 0.00089; 1000 Genomes Project 0.00120; 1000 Genomes Project 30x 0.00141.
gnomAD v4.1: 633 of 1,613,922 alleles (0.039%); highest among the groups gnomAD compares: South Asian, 0.5%; 11 homozygotes.

Submissions (2):

Blueprint Genetics
Classification: Likely benign. Last evaluated: 2024-11-27. Review status: criteria provided, single submitter. Criteria: ACMG Guidelines, 2015. Collection method: clinical testing. Allele origin: germline.

PreventionGenetics, part of Exact Sciences
Classification: Likely benign for SVIL-related condition. Last evaluated: 2022-12-08. Review status: no assertion criteria provided. Collection method: clinical testing. Allele origin: germline. Not counted in ClinVar's aggregate classification.
Comment: This variant is classified as likely benign based on ACMG/AMP sequence variant interpretation guidelines (Richards et al. 2015 PMID: 25741868, with internal and published modifications).

NM_021738.3(SVIL):c.4461T>C (p.Phe1487=)

Genes: SVIL (supervillin; minus strand), SVIL-AS1 (SVIL antisense RNA 1; plus strand). Cytogenetic location: 10p11.23.
Variant type: single nucleotide variant.
Coding change: c.4461T>C on transcript NM_021738.3 (MANE Select); coding-DNA position 4461, T replaced by C.
Protein change: p.Phe1487=; no amino-acid change (phenylalanine 1487 retained).
Molecular consequence: synonymous variant. On other transcripts: non-coding transcript variant (1).
Genome position (GRCh38, 1-based): chr10:29,487,187, A>G on the plus strand (T>C on the coding strand, the complement: SVIL is on the minus strand). VCF-style: chr10-29487187-A-G. GRCh37 (hg19) VCF-style: chr10-29776116-A-G.
Other names: c.3531T>C, p.Phe1177= (NM_001323599.2); c.3279T>C, p.Phe1093= (NM_001323600.1); c.3183T>C, p.Phe1061= (NM_003174.3).
Identifiers: ClinVar variation 3036038 (VCV003036038.3), dbSNP rs142293200, ClinGen allele CA5456519.
Genomic context (GRCh38, chr10:29,487,187, plus strand): 5'-TGTTAGCTAAAGCATTTTTATTTTTCAGGTACCAACCTTCGCCTTTTCTATGACGTTTGC[A>G]AACTCTCCTACCCACAGGAAGCAGCAGTGGGGAGAGAGCAGGAGGAAGCAGTCCCCACTG-3'
Protein context (NP_068506.2, residues 1477-1497): PHCCFLWVGE[Phe1487=]ANVIEKAKAS